The following is an entry in ClinVar:

NM_207346.3(TSEN54):c.469-1G>C

Gene: TSEN54 (tRNA splicing endonuclease subunit 54; plus strand). Cytogenetic location: 17q25.1.
Variant type: single nucleotide variant.
Coding change: c.469-1G>C on transcript NM_207346.3 (MANE Select); the canonical splice acceptor site of the intron before coding-DNA position 469, G replaced by C.
Molecular consequence: splice acceptor variant.
Genome position (GRCh38, 1-based): chr17:75,518,994, G>C. VCF-style: chr17-75518994-G-C. GRCh37 (hg19) VCF-style: chr17-73515075-G-C.
Identifiers: ClinVar variation 4886396 (VCV004886396.2).

ClinVar aggregate classification (germline): Likely pathogenic (1 of 4 stars; one submission).

Submission:

Dasa
Classification: Likely pathogenic. Last evaluated: 2024-09-29. Review status: criteria provided, single submitter. Criteria: DASA Assertion Criteria. Collection method: clinical testing. Allele origin: germline.
Comment: NM_207346.3(TSEN54):c.469-1G>C affects a canonical splice site and is predicted to disrupt normal RNA splicing. Loss of function is an established disease mechanism for TSEN54-associated disorders. Also, this variant is absent from population databases. Based on the currently available evidence, this variant is classified as likely pathogenic.